The following is an entry in ClinVar:

NM_032043.3(BRIP1):c.2406C>A (p.Asp802Glu)

Gene: BRIP1 (BRCA1 interacting DNA helicase 1; minus strand). Cytogenetic location: 17q23.2.
Variant type: single nucleotide variant.
Coding change: c.2406C>A on transcript NM_032043.3 (MANE Select); coding-DNA position 2406, C replaced by A.
Protein change: p.Asp802Glu; replaces aspartic acid 802 with glutamic acid.
Molecular consequence: missense variant.
Genome position (GRCh38, 1-based): chr17:61,716,037, G>T on the plus strand (C>A on the coding strand, the complement: BRIP1 is on the minus strand). VCF-style: chr17-61716037-G-T. GRCh37 (hg19) VCF-style: chr17-59793398-G-T.
Other names: short protein forms D802E.
Identifiers: ClinVar variation 959444 (VCV000959444.14), dbSNP rs748981650, ClinGen allele CA8690534.

ClinVar aggregate classification (germline): Uncertain significance. Review status: criteria provided, multiple submitters, no conflicts (2 of 4 stars). 3 submissions from 3 submitters: Uncertain significance (3). Last evaluated 2025-12-07.

Conditions:
Familial cancer of breast. Also called: Hereditary breast cancer; BREAST CANCER, FAMILIAL; hereditary breast carcinoma. Identifiers: Orphanet 227535, MedGen C0346153, MONDO:0016419, OMIM 114480. Disease mechanism: loss of function.
Fanconi anemia complementation group J. Also called: BRIP1-Related Fanconi Anemia. Identifiers: Orphanet 84, MedGen C1836860, MONDO:0012187, OMIM 609054.
Familial ovarian cancer. Identifiers: MedGen C5679802, MONDO:0016248.
Hereditary cancer-predisposing syndrome. Also called: Hereditary neoplastic syndrome; Tumor predisposition; Neoplastic Syndromes, Hereditary; Hereditary Cancer Syndrome. Identifiers: Orphanet 140162, MedGen C0027672, MeSH D009386, MONDO:0015356.

gnomAD v4.1: 2 of 1,605,108 alleles (0.00012%); highest among the groups gnomAD compares: Non-Finnish European, 0.000085%; no homozygotes.

Submissions (3):

Ambry Genetics
Classification: Uncertain significance for Hereditary cancer-predisposing syndrome. Last evaluated: 2025-12-07. Review status: criteria provided, single submitter. Criteria: Ambry Variant Classification Scheme 2023. Collection method: clinical testing. Allele origin: germline.
Comment: The p.D802E variant (also known as c.2406C>A), located in coding exon 16 of the BRIP1 gene, results from a C to A substitution at nucleotide position 2406. The aspartic acid at codon 802 is replaced by glutamic acid, an amino acid with highly similar properties. This amino acid position is highly conserved in available vertebrate species. In addition, the in silico prediction for this alteration is inconclusive. Since supporting evidence is limited at this time, the clinical significance of this alteration remains unclear.

Molecular Pathology, Peter Maccallum Cancer Centre
Classification: Uncertain significance for Familial ovarian cancer. Last evaluated: 2025-01-30. Review status: criteria provided, single submitter. Criteria: ACMG Guidelines, 2015. Collection method: clinical testing. Allele origin: germline. Inheritance: Autosomal dominant inheritance.

Labcorp Genetics (formerly Invitae), Labcorp
Classification: Uncertain significance for Familial cancer of breast; Fanconi anemia complementation group J. Last evaluated: 2024-08-12. Review status: criteria provided, single submitter. Criteria: Invitae Variant Classification Sherloc (09022015). Collection method: clinical testing. Allele origin: germline.
Comment: This sequence change replaces aspartic acid, which is acidic and polar, with glutamic acid, which is acidic and polar, at codon 802 of the BRIP1 protein (p.Asp802Glu). This variant is present in population databases (rs748981650, gnomAD 0.0009%). This variant has not been reported in the literature in individuals affected with BRIP1-related conditions. ClinVar contains an entry for this variant (Variation ID: 959444). Advanced modeling of protein sequence and biophysical properties (such as structural, functional, and spatial information, amino acid conservation, physicochemical variation, residue mobility, and thermodynamic stability) has been performed at Invitae for this missense variant, however the output from this modeling did not meet the statistical confidence thresholds required to predict the impact of this variant on BRIP1 protein function. In summary, the available evidence is currently insufficient to determine the role of this variant in disease. Therefore, it has been classified as a Variant of Uncertain Significance.